The following is an entry in ClinVar:

NM_000260.4(MYO7A):c.6181C>T (p.Arg2061Trp)

Gene: MYO7A (myosin VIIA; plus strand). Cytogenetic location: 11q13.5.
Variant type: single nucleotide variant.
Coding change: c.6181C>T on transcript NM_000260.4 (MANE Select); coding-DNA position 6181, C replaced by T.
Protein change: p.Arg2061Trp; replaces arginine 2061 with tryptophan.
Molecular consequence: missense variant.
Genome position (GRCh38, 1-based): chr11:77,211,281, C>T. VCF-style: chr11-77211281-C-T. GRCh37 (hg19) VCF-style: chr11-76922326-C-T.
Other names: c.6067C>T, p.Arg2023Trp (NM_001127180.2); c.6034C>T, p.Arg2012Trp (NM_001369365.1); short protein forms R2023W, R2012W, R2061W.
Identifiers: ClinVar variation 854492 (VCV000854492.13), dbSNP rs780940577, ClinGen allele CA6198947.

ClinVar aggregate classification (germline): Uncertain significance. Review status: criteria provided, multiple submitters, no conflicts (2 of 4 stars). 6 submissions from 6 submitters: Uncertain significance (5). 1 of the submissions does not count toward it. Last evaluated 2026-05-07.

Conditions:
MYO7A-related disorder. Also called: MYO7A-related disorders.
Usher syndrome type 1B (USH1B). Also called: Usher syndrome type IB. Identifiers: MedGen C1848638, MONDO:0700087.
Inborn genetic diseases. Identifiers: MedGen C0950123, MeSH D030342.

Allele frequency attached by ClinVar (database versions not stated): gnomAD 0.00004; TOPMed 0.00005; ExAC 0.00009.
gnomAD v4.1: 19 of 1,581,132 alleles (0.0012%); highest among the groups gnomAD compares: South Asian, 0.0035%; no homozygotes.

Submissions (6):

PreventionGenetics, part of Exact Sciences
Classification: Uncertain significance for MYO7A-related condition. Last evaluated: 2026-05-07. Review status: criteria provided, single submitter. Criteria: ACMG Guidelines, 2015. Collection method: clinical testing. Allele origin: germline.
Comment: The MYO7A c.6181C>T variant is predicted to result in the amino acid substitution p.Arg2061Trp. To our knowledge, this variant has not been reported in the literature. This variant is reported in 0.0081% of alleles in individuals of South Asian descent in gnomAD. At this time, the clinical significance of this variant is uncertain due to the absence of conclusive functional and genetic evidence.

Labcorp Genetics (formerly Invitae), Labcorp
Classification: Uncertain significance. Last evaluated: 2024-08-17. Review status: criteria provided, single submitter. Criteria: Invitae Variant Classification Sherloc (09022015). Collection method: clinical testing. Allele origin: germline.
Comment: This sequence change replaces arginine, which is basic and polar, with tryptophan, which is neutral and slightly polar, at codon 2061 of the MYO7A protein (p.Arg2061Trp). The frequency data for this variant in the population databases is considered unreliable, as metrics indicate poor data quality at this position in the gnomAD database. This variant has not been reported in the literature in individuals affected with MYO7A-related conditions. ClinVar contains an entry for this variant (Variation ID: 854492). Invitae Evidence Modeling of protein sequence and biophysical properties (such as structural, functional, and spatial information, amino acid conservation, physicochemical variation, residue mobility, and thermodynamic stability) indicates that this missense variant is not expected to disrupt MYO7A protein function with a negative predictive value of 95%. In summary, the available evidence is currently insufficient to determine the role of this variant in disease. Therefore, it has been classified as a Variant of Uncertain Significance.

Ambry Genetics
Classification: Uncertain significance for Inborn genetic diseases. Last evaluated: 2023-04-26. Review status: criteria provided, single submitter. Criteria: Ambry Variant Classification Scheme 2023. Collection method: clinical testing. Allele origin: germline.

Clinical Genetics Laboratory, Skane University Hospital Lund
Classification: Uncertain significance. Last evaluated: 2022-10-18. Review status: criteria provided, single submitter. Criteria: ACMG Guidelines, 2015. Collection method: clinical testing. Allele origin: germline. Affected: yes.

Blueprint Genetics
Classification: Uncertain significance. Last evaluated: 2019-11-14. Review status: criteria provided, single submitter. Criteria: ACMG Guidelines, 2015. Collection method: clinical testing. Allele origin: germline.

Natera, Inc.
Classification: Uncertain significance for Usher syndrome type 1B. Last evaluated: 2020-09-16. Review status: no assertion criteria provided. Collection method: clinical testing. Allele origin: germline. Not counted in ClinVar's aggregate classification.